The following is an entry in ClinVar:

NM_002693.3(POLG):c.3227G>A (p.Gly1076Asp)

Gene: POLG (DNA polymerase gamma, catalytic subunit; minus strand). Cytogenetic location: 15q26.1.
Variant type: single nucleotide variant.
Coding change: c.3227G>A on transcript NM_002693.3 (MANE Select); coding-DNA position 3227, G replaced by A.
Protein change: p.Gly1076Asp; replaces glycine 1076 with aspartic acid.
Molecular consequence: missense variant.
Genome position (GRCh38, 1-based): chr15:89,318,977, C>T on the plus strand (G>A on the coding strand, the complement: POLG is on the minus strand). VCF-style: chr15-89318977-C-T. GRCh37 (hg19) VCF-style: chr15-89862208-C-T.
Other names: c.3227G>A, p.Gly1076Asp (NM_001126131.2); short protein forms G1076D.
Identifiers: ClinVar variation 1315451 (VCV001315451.7), dbSNP rs1381291951, ClinGen allele CA393750560.

ClinVar aggregate classification (germline): Uncertain significance. Review status: criteria provided, multiple submitters, no conflicts (2 of 4 stars). 3 submissions from 3 submitters: Uncertain significance (3). Last evaluated 2024-06-04.

Conditions:
Mitochondrial DNA depletion syndrome 1. Also called: POLIP SYNDROME; POLYNEUROPATHY, OPHTHALMOPLEGIA, LEUKOENCEPHALOPATHY, AND INTESTINAL PSEUDOOBSTRUCTION; Mitochondrial Neurogastrointestinal Encephalopathy Disease; MITOCHONDRIAL NEUROGASTROINTESTINAL ENCEPHALOPATHY SYNDROME, TYMP-RELATED; MNGIE, TYMP-RELATED; Mitochondrial DNA depletion syndrome 1 (MNGIE type). Identifiers: Orphanet 298, MedGen C4551995, MONDO:0011283, OMIM 603041.
Progressive sclerosing poliodystrophy (MTDPS4A). Also called: NEURONAL DEGENERATION OF CHILDHOOD WITH LIVER DISEASE, PROGRESSIVE; Alpers Syndrome; ALPERS DIFFUSE DEGENERATION OF CEREBRAL GRAY MATTER WITH HEPATIC CIRRHOSIS; Alpers-Huttenlocher Syndrome; Mitochondrial DNA depletion syndrome 4A (Alpers type); Mitochondrial DNA Depletion Syndrome 4A. Identifiers: Orphanet 726, MedGen C0205710, MONDO:0008758, OMIM 203700.
Progressive external ophthalmoplegia with mitochondrial DNA deletions, autosomal dominant 1 (PEOA1). Also called: Autosomal Dominant Progressive External Ophthalmoplegia (adPEO); PROGRESSIVE EXTERNAL OPHTHALMOPLEGIA, AUTOSOMAL DOMINANT 1. Identifiers: MedGen C1834846, MONDO:0024528, OMIM 157640.
Mitochondrial DNA depletion syndrome 4b. Also called: MNGIE, POLG-RELATED; Mitochondrial Neurogastrointestinal Encephalopathy Disease, POLG-Related. Identifiers: Orphanet 298, MedGen C3150914, MONDO:0013350, OMIM 613662.
Sensory ataxic neuropathy, dysarthria, and ophthalmoparesis (SANDO). Also called: Ataxia Neuropathy Spectrum (ANS); Sensory ataxic neuropathy-dysarthria-ophthalmoparesis syndrome; Epilepsy, progressive myoclonic, type 5; SENSORY ATAXIC NEUROPATHY WITH MITOCHONDRIAL DNA DELETIONS, AUTOSOMAL RECESSIVE. Identifiers: Orphanet 70595, MedGen C1843851, MONDO:0011835, OMIM 607459.
Progressive external ophthalmoplegia with mitochondrial DNA deletions, autosomal recessive 1 (PEOB1). Also called: Progressive external ophthalmoplegia, autosomal recessive 1; Autosomal Recessive Progressive External Ophthalmoplegia (arPEO). Identifiers: Orphanet 254886, MedGen C4225153, MONDO:0009783, OMIM 258450.

Allele frequency attached by ClinVar (database versions not stated): gnomAD exomes 0.00001 and 0.00002.
gnomAD v4.1: 25 of 1,614,152 alleles (0.0015%); highest among the groups gnomAD compares: Non-Finnish European, 0.0021%; no homozygotes.

Submissions (3):

Labcorp Genetics (formerly Invitae), Labcorp
Classification: Uncertain significance for Progressive sclerosing poliodystrophy. Last evaluated: 2024-06-04. Review status: criteria provided, single submitter. Criteria: Invitae Variant Classification Sherloc (09022015). Collection method: clinical testing. Allele origin: germline.
Comment: This sequence change replaces glycine, which is neutral and non-polar, with aspartic acid, which is acidic and polar, at codon 1076 of the POLG protein (p.Gly1076Asp). This variant is present in population databases (no rsID available, gnomAD 0.003%). This variant has not been reported in the literature in individuals affected with POLG-related conditions. ClinVar contains an entry for this variant (Variation ID: 1315451). Advanced modeling of protein sequence and biophysical properties (such as structural, functional, and spatial information, amino acid conservation, physicochemical variation, residue mobility, and thermodynamic stability) has been performed at Invitae for this missense variant, however the output from this modeling did not meet the statistical confidence thresholds required to predict the impact of this variant on POLG protein function. In summary, the available evidence is currently insufficient to determine the role of this variant in disease. Therefore, it has been classified as a Variant of Uncertain Significance.

Fulgent Genetics
Classification: Uncertain significance for Progressive external ophthalmoplegia with mitochondrial DNA deletions, autosomal dominant 1; Progressive sclerosing poliodystrophy; Progressive external ophthalmoplegia with mitochondrial DNA deletions, autosomal recessive 1; Mitochondrial DNA depletion syndrome 1; Sensory ataxic neuropathy, dysarthria, and ophthalmoparesis; Mitochondrial DNA depletion syndrome 4b. Last evaluated: 2021-09-22. Review status: criteria provided, single submitter. Criteria: ACMG Guidelines, 2015. Collection method: clinical testing. Allele origin: unknown.

GeneDx
Classification: Uncertain significance. Last evaluated: 2020-02-19. Review status: criteria provided, single submitter. Criteria: GeneDx Variant Classification Process June 2021. Collection method: clinical testing. Allele origin: germline. Affected: yes.
Comment: Not observed at a significant frequency in large population cohorts (Lek et al., 2016); In silico analysis supports that this missense variant has a deleterious effect on protein structure/function; Has not been previously published as pathogenic or benign to our knowledge